The following is an entry in ClinVar:

NM_000365.6(TPI1):c.324+1G>C

Gene: TPI1 (triosephosphate isomerase 1; plus strand). Cytogenetic location: 12p13.31.
Variant type: single nucleotide variant.
Coding change: c.324+1G>C on transcript NM_000365.6 (MANE Select); the canonical splice donor site of the intron after coding-DNA position 324, G replaced by C.
Molecular consequence: splice donor variant.
Genome position (GRCh38, 1-based): chr12:6,869,184, G>C. VCF-style: chr12-6869184-G-C. GRCh37 (hg19) VCF-style: chr12-6978348-G-C.
Other names: c.435+1G>C (NM_001159287.1); c.78+1G>C (NM_001258026.2).
Identifiers: ClinVar variation 3009611 (VCV003009611.3), dbSNP rs2542450222, ClinGen allele CA383710260.
Genomic context (GRCh38, chr12:6,869,184, plus strand): 5'-GCCACGTGGGTGGTCCTGGGGCACTCAGAGAGAAGGCATGTCTTTGGGGAGTCAGATGAG[G>C]TTAGTAGCCAAGAGAGAAGATAAGGGATGTCTTTTTCCAAGAAGGATGTCTCACCAAGTC-3'

ClinVar aggregate classification (germline): Likely pathogenic (1 of 4 stars; one submission).

Submission:

Labcorp Genetics (formerly Invitae), Labcorp
Classification: Likely pathogenic. Last evaluated: 2023-09-22. Review status: criteria provided, single submitter. Criteria: Invitae Variant Classification Sherloc (09022015). Collection method: clinical testing. Allele origin: germline.
Comment: In summary, the currently available evidence indicates that the variant is pathogenic, but additional data are needed to prove that conclusively. Therefore, this variant has been classified as Likely Pathogenic. Algorithms developed to predict the effect of sequence changes on RNA splicing suggest that this variant may disrupt the consensus splice site. This variant has not been reported in the literature in individuals affected with TPI1-related conditions. This variant is not present in population databases (gnomAD no frequency). This sequence change affects a donor splice site in intron 3 of the TPI1 gene. It is expected to disrupt RNA splicing. Variants that disrupt the donor or acceptor splice site typically lead to a loss of protein function (PMID: 16199547), and loss-of-function variants in TPI1 are known to be pathogenic (PMID: 7485100, 8807088, 20374271).

Literature cited by the submitters: PubMed 16199547; PubMed 7485100; PubMed 8807088; PubMed 20374271.